The following is an entry in ClinVar:

NM_000059.4(BRCA2):c.6160G>T (p.Ala2054Ser)

Gene: BRCA2 (BRCA2 DNA repair associated; plus strand). Cytogenetic location: 13q13.1.
Variant type: single nucleotide variant.
Coding change: c.6160G>T on transcript NM_000059.4 (MANE Select); coding-DNA position 6160, G replaced by T.
Protein change: p.Ala2054Ser; replaces alanine 2054 with serine.
Molecular consequence: missense variant. On other transcripts: non-coding transcript variant (1), intron variant (2).
Genome position (GRCh38, 1-based): chr13:32,340,515, G>T. VCF-style: chr13-32340515-G-T. GRCh37 (hg19) VCF-style: chr13-32914652-G-T.
Other names: c.6160G>T, p.Ala2054Ser (NM_001406719.1, NM_001406720.1, NM_001432077.1); c.425-4043G>T (NM_001406722.1); c.1910-4043G>T (NM_001406721.1); short protein forms A2054S.
Identifiers: ClinVar variation 3825476 (VCV003825476.1).

ClinVar aggregate classification (germline): Uncertain significance (1 of 4 stars; one submission).

Conditions:
Hereditary cancer-predisposing syndrome. Also called: Hereditary neoplastic syndrome; Neoplastic Syndromes, Hereditary; Tumor predisposition; Hereditary Cancer Syndrome. Identifiers: Orphanet 140162, MedGen C0027672, MeSH D009386, MONDO:0015356.

Submission:

Ambry Genetics
Classification: Uncertain significance for Hereditary cancer-predisposing syndrome. Last evaluated: 2025-03-07. Review status: criteria provided, single submitter. Criteria: Ambry Variant Classification Scheme 2023. Collection method: clinical testing. Allele origin: germline.
Comment: The p.A2054S variant (also known as c.6160G>T), located in coding exon 10 of the BRCA2 gene, results from a G to T substitution at nucleotide position 6160. The alanine at codon 2054 is replaced by serine, an amino acid with similar properties. This amino acid position is not well conserved in available vertebrate species. In addition, this alteration is predicted to be tolerated by in silico analysis. Based on the available evidence, the clinical significance of this variant remains unclear.